The following is an entry in ClinVar:

NM_207312.3(TUBA3E):c.669G>A (p.Thr223=)

Genes: MZT2B (mitotic spindle organizing protein 2B; plus strand), TUBA3E (tubulin alpha 3e; minus strand). Cytogenetic location: 2q21.1.
Variant type: single nucleotide variant.
Coding change: c.669G>A on transcript NM_207312.3 (MANE Select); coding-DNA position 669, G replaced by A.
Protein change: p.Thr223=; no amino-acid change (threonine 223 retained).
Molecular consequence: synonymous variant.
Genome position (GRCh38, 1-based): chr2:130,194,173, C>T on the plus strand (G>A on the coding strand, the complement: TUBA3E is on the minus strand). VCF-style: chr2-130194173-C-T. GRCh37 (hg19) VCF-style: chr2-130951746-C-T.
Identifiers: ClinVar variation 2651367 (VCV002651367.24), dbSNP rs146039343, ClinGen allele CA1870934.
Genomic context (GRCh38, chr2:130,194,173, plus strand): 5'-TCGCAGGGAGGCCGTGATGGAGGACACGATCTGCCCAATCAGGCGATTGAGGTTGGTGTA[C>T]GTGGGACGTTCAATGTCCAGGTTGCGCCGACATATGTCATAGATGGCTTCATTGTCGACC-3'
Protein context (NP_997195.2, residues 213-233): CRRNLDIERP[Thr223=]YTNLNRLIGQ

ClinVar aggregate classification (germline): Likely benign (1 of 4 stars; one submission).

Allele frequency attached by ClinVar (database versions not stated): 1000 Genomes Project 0.00140; 1000 Genomes Project 30x 0.00141; gnomAD 0.00297; ExAC 0.00362; ESP Exome Variant Server 0.00408; gnomAD exomes 0.00487.
gnomAD v4.1: 7,536 of 1,613,510 alleles (0.47%); highest among the groups gnomAD compares: Non-Finnish European, 0.58%; 18 homozygotes.

Submission:

CeGaT Center for Human Genetics Tuebingen
Classification: Likely benign. Last evaluated: 2022-03-01. Review status: criteria provided, single submitter. Criteria: CeGaT Center For Human Genetics Tuebingen Variant Classification Criteria Version 2. Collection method: clinical testing. Allele origin: germline. Affected: yes. Observed: 1 variant allele.
Comment: TUBA3E: BP4, BP7